The following is an entry in ClinVar:

NM_000552.5(VWF):c.3000T>C (p.Asp1000=)

Gene: VWF (von Willebrand factor; minus strand). Cytogenetic location: 12p13.31.
Variant type: single nucleotide variant.
Coding change: c.3000T>C on transcript NM_000552.5 (MANE Select); coding-DNA position 3000, T replaced by C.
Protein change: p.Asp1000=; no amino-acid change (aspartic acid 1000 retained).
Molecular consequence: synonymous variant.
Genome position (GRCh38, 1-based): chr12:6,026,014, A>G on the plus strand (T>C on the coding strand, the complement: VWF is on the minus strand). VCF-style: chr12-6026014-A-G. GRCh37 (hg19) VCF-style: chr12-6135180-A-G.
Identifiers: ClinVar variation 3572160 (VCV003572160.1).

ClinVar aggregate classification (germline): Uncertain significance (1 of 4 stars; one submission).

gnomAD v4.1: 2 of 1,613,982 alleles (0.00012%); highest among the groups gnomAD compares: South Asian, 0.0011%; no homozygotes.

Submission:

Quest Diagnostics Nichols Institute San Juan Capistrano
Classification: Uncertain significance. Last evaluated: 2024-04-08. Review status: criteria provided, single submitter. Criteria: Quest Diagnostics criteria. Collection method: clinical testing. Allele origin: unknown.
Comment: The VWF c.3000T>C (p.Asp1000=) synonymous variant has not been reported in individuals with VWF-related conditions in the published literature. The frequency of this variant in the general population, 0.000004 (1/251180 chromosomes (Genome Aggregation Database)), is uninformative in the assessment of its pathogenicity. Analysis of this variant using software algorithms for the prediction of the effect of nucleotide changes on splicing yielded predictions that this variant does not affect VWF mRNA splicing. Based on the available information, we are unable to determine the clinical significance of this variant.